The following is an entry in ClinVar:

NM_177438.3(DICER1):c.5603+13T>G

Gene: DICER1 (dicer 1, ribonuclease III; minus strand). Cytogenetic location: 14q32.13.
Variant type: single nucleotide variant.
Coding change: c.5603+13T>G on transcript NM_177438.3 (MANE Select); 13 bases into the intron after coding-DNA position 5603, T replaced by G.
Molecular consequence: intron variant.
Genome position (GRCh38, 1-based): chr14:95,091,021, A>C on the plus strand (T>G on the coding strand, the complement: DICER1 is on the minus strand). VCF-style: chr14-95091021-A-C. GRCh37 (hg19) VCF-style: chr14-95557358-A-C.
Other names: c.5603+13T>G (NM_001291628.2, NM_030621.4, NM_001395677.1 and 7 more transcripts); c.5198+13T>G (NM_001395690.1, NM_001395687.1, NM_001395689.1 and 1 more transcripts); c.5321+13T>G (NM_001395686.1); c.5036+13T>G (NM_001395691.1); c.3920+13T>G (NM_001395697.1); c.5440+13T>G (NM_001195573.1).
Identifiers: ClinVar variation 2428225 (VCV002428225.6), dbSNP rs2139772510, ClinGen allele CA2580088975.

ClinVar aggregate classification (germline): Uncertain significance (1 of 4 stars; one submission).

Conditions:
DICER1-related tumor predisposition. Also called: DICER1-related pleuropulmonary blastoma cancer predisposition syndrome; DICER1 syndrome. Identifiers: Orphanet 284343, MedGen C3839822, MONDO:0100216.

Submission:

Labcorp Genetics (formerly Invitae), Labcorp
Classification: Uncertain significance for DICER1-related tumor predisposition. Last evaluated: 2022-04-13. Review status: criteria provided, single submitter. Criteria: Invitae Variant Classification Sherloc (09022015). Collection method: clinical testing. Allele origin: germline.
Comment: This sequence change falls in intron 26 of the DICER1 gene. It does not directly change the encoded amino acid sequence of the DICER1 protein. This variant is not present in population databases (gnomAD no frequency). This variant has not been reported in the literature in individuals affected with DICER1-related conditions. Algorithms developed to predict the effect of sequence changes on RNA splicing suggest that this variant may create or strengthen a splice site. In summary, the available evidence is currently insufficient to determine the role of this variant in disease. Therefore, it has been classified as a Variant of Uncertain Significance.